The following is an entry in ClinVar:

NM_021005.4(NR2F2):c.263G>A (p.Gly88Asp)

Gene: NR2F2 (nuclear receptor subfamily 2 group F member 2; plus strand). Cytogenetic location: 15q26.2.
Variant type: single nucleotide variant.
Coding change: c.263G>A on transcript NM_021005.4 (MANE Select); coding-DNA position 263, G replaced by A.
Protein change: p.Gly88Asp; replaces glycine 88 with aspartic acid.
Molecular consequence: missense variant. On other transcripts: intron variant (1).
Genome position (GRCh38, 1-based): chr15:96,332,368, G>A. VCF-style: chr15-96332368-G-A. GRCh37 (hg19) VCF-style: chr15-96875597-G-A.
Other names: c.44-1708G>A (NM_001145155.2); short protein forms G88D.
Identifiers: ClinVar variation 3773829 (VCV003773829.1).

ClinVar aggregate classification (germline): Likely pathogenic (1 of 4 stars; one submission).

Conditions:
NR2F2-Releated Disorders.

Submission:

Rady Children's Institute for Genomic Medicine, Rady Children's Hospital San Diego
Classification: Likely pathogenic for NR2F2-Releated Disorders. Last evaluated: 2024-08-06. Review status: criteria provided, single submitter. Criteria: ACMG Guidelines, 2015. Collection method: clinical testing. Allele origin: germline. Affected: yes.
Comment: The NR2F2 gene is highly constrained (Z-score= 4.21 and pLI = 1), which suggests it is intolerant to variation. The c.263G>A (p.Gly88Asp) variant affects a highly conserved amino acid and is predicted by multiple in silico tools to have a deleterious effect on protein function. This variant has not been previously reported or functionally characterized in the literature to our knowledge. The c.263G>A (p.Gly88Asp) variant is absent from the gnomAD v4 population database and thus is presumed to be rare. Analysis of the parental samples was negative for the variant, indicating this variant likely occurred as a de novo event. Based on the available evidence, this c.263G>A (p.Gly88Asp) is classified as Likely Pathogenic.